The following is an entry in ClinVar:

ClinVar aggregate classification (germline): Benign. Review status: criteria provided, multiple submitters, no conflicts (2 of 4 stars). 2 submissions from 2 submitters: Benign (2). Last evaluated 2019-01-11.

Allele frequency attached by ClinVar (database versions not stated): 1000 Genomes Project 30x 0.03779; 1000 Genomes Project 0.03974; TOPMed 0.06769; ESP Exome Variant Server 0.08585; gnomAD 0.08848 and 0.09133; gnomAD exomes 0.09423 and 0.10446; ExAC 0.09966.
gnomAD v4.1: 165,237 of 1,613,150 alleles (10%); highest among the groups gnomAD compares: Non-Finnish European, 11%; 10,520 homozygotes.

Submissions (2):

GeneDx
Classification: Benign. Last evaluated: 2019-01-11. Review status: criteria provided, single submitter. Criteria: GeneDx Variant Classification Process June 2021. Collection method: clinical testing. Allele origin: germline. Affected: yes.
Comment: This variant is associated with the following publications: (PMID: 33465068, 29632382)

Breakthrough Genomics
Classification: Benign. Review status: criteria provided, single submitter. Criteria: ACMG Guidelines, 2015. Collection method: not provided. Allele origin: germline. Inheritance: Unknown mechanism. Affected: yes.

NM_139075.4(TPCN2):c.655G>A (p.Val219Ile)

Gene: TPCN2 (two pore segment channel 2; plus strand). Cytogenetic location: 11q13.3.
Variant type: single nucleotide variant.
Coding change: c.655G>A on transcript NM_139075.4 (MANE Select); coding-DNA position 655, G replaced by A.
Protein change: p.Val219Ile; replaces valine 219 with isoleucine.
Molecular consequence: missense variant.
Genome position (GRCh38, 1-based): chr11:69,063,896, G>A. VCF-style: chr11-69063896-G-A. GRCh37 (hg19) VCF-style: chr11-68831364-G-A.
Other names: short protein forms V219I.
Identifiers: ClinVar variation 1252481 (VCV001252481.3), dbSNP rs72928978, ClinGen allele CA6154890.
Genomic context (GRCh38, chr11:69,063,896, plus strand): 5'-GTCAGGTGTCCCTGCCTGCCCGCCGCCTGGCCCAGGCTGAGTGCCGTGCTCTCCCCCAGC[G>A]TCGGGCTGCTGCTGGCCATCCACCTGTGCCTCTTCACCATGTTCGGAATGCTGCTGTTCG-3'
Protein context (NP_620714.2, residues 209-229): IRWSLPEMAS[Val219Ile]GLLLAIHLCL